The following is an entry in ClinVar:

NM_000264.5(PTCH1):c.4207G>A (p.Glu1403Lys)

Gene: PTCH1 (patched 1; minus strand). Cytogenetic location: 9q22.32.
Variant type: single nucleotide variant.
Coding change: c.4207G>A on transcript NM_000264.5 (MANE Select); coding-DNA position 4207, G replaced by A.
Protein change: p.Glu1403Lys; replaces glutamic acid 1403 with lysine.
Molecular consequence: missense variant. On other transcripts: non-coding transcript variant (1).
Genome position (GRCh38, 1-based): chr9:95,447,049, C>T on the plus strand (G>A on the coding strand, the complement: PTCH1 is on the minus strand). VCF-style: chr9-95447049-C-T. GRCh37 (hg19) VCF-style: chr9-98209331-C-T.
Other names: c.4009G>A, p.Glu1337Lys (NM_001083602.3); c.4204G>A, p.Glu1402Lys (NM_001083603.3); c.3754G>A, p.Glu1252Lys (NM_001083604.3, NM_001083605.3, NM_001083606.3 and 1 more transcripts); c.4051G>A, p.Glu1351Lys (NM_001354918.2); short protein forms E1252K, E1337K, E1402K, E1351K, E1403K.
Identifiers: ClinVar variation 2834026 (VCV002834026.3), dbSNP rs2136573323, ClinGen allele CA374110117.

ClinVar aggregate classification (germline): Uncertain significance (1 of 4 stars; one submission).

Conditions:
Gorlin syndrome. Also called: Nevoid Basal Cell Carcinoma Syndrome; Basal cell nevus syndrome. Identifiers: Orphanet 377, MedGen C0004779, MONDO:0007187.

Submission:

Labcorp Genetics (formerly Invitae), Labcorp
Classification: Uncertain significance for Gorlin syndrome. Last evaluated: 2023-02-03. Review status: criteria provided, single submitter. Criteria: Invitae Variant Classification Sherloc (09022015). Collection method: clinical testing. Allele origin: germline.
Comment: In summary, the available evidence is currently insufficient to determine the role of this variant in disease. Therefore, it has been classified as a Variant of Uncertain Significance. This sequence change replaces glutamic acid, which is acidic and polar, with lysine, which is basic and polar, at codon 1403 of the PTCH1 protein (p.Glu1403Lys). This variant is not present in population databases (gnomAD no frequency). This variant has not been reported in the literature in individuals affected with PTCH1-related conditions. Advanced modeling of protein sequence and biophysical properties (such as structural, functional, and spatial information, amino acid conservation, physicochemical variation, residue mobility, and thermodynamic stability) performed at Invitae indicates that this missense variant is not expected to disrupt PTCH1 protein function.